The following is an entry in ClinVar:

NM_033026.6(PCLO):c.2899G>A (p.Ala967Thr)

Gene: PCLO (piccolo presynaptic cytomatrix protein; minus strand). Cytogenetic location: 7q21.11.
Variant type: single nucleotide variant.
Coding change: c.2899G>A on transcript NM_033026.6 (MANE Select); coding-DNA position 2899, G replaced by A.
Protein change: p.Ala967Thr; replaces alanine 967 with threonine.
Molecular consequence: missense variant.
Genome position (GRCh38, 1-based): chr7:83,134,651, C>T on the plus strand (G>A on the coding strand, the complement: PCLO is on the minus strand). VCF-style: chr7-83134651-C-T. GRCh37 (hg19) VCF-style: chr7-82763967-C-T.
Other names: c.2899G>A, p.Ala967Thr (NM_014510.3); short protein forms A967T.
Identifiers: ClinVar variation 1365826 (VCV001365826.8), dbSNP rs1791668067, ClinGen allele CA367898418.
Genomic context (GRCh38, chr7:83,134,651, plus strand): 5'-GTGCTTGACCTGTGGATTTGGGTGGCCCTTGTGAAGTAGGTGGCTGTGAAGGGGCAGGGG[C>T]TTGTTTCATTGGGGCCCCTGGTCCACTTTGTGAATGAGGTCCAGGTTGGCCTGCAGTGGA-3'
Protein context (NP_149015.2, residues 957-977): QSGPGAPMKQ[Ala967Thr]PAPSQPPTSQ

ClinVar aggregate classification (germline): Uncertain significance (1 of 4 stars; one submission).

Submission:

Labcorp Genetics (formerly Invitae), Labcorp
Classification: Uncertain significance. Last evaluated: 2023-08-28. Review status: criteria provided, single submitter. Criteria: Invitae Variant Classification Sherloc (09022015). Collection method: clinical testing. Allele origin: germline.
Comment: This sequence change replaces alanine, which is neutral and non-polar, with threonine, which is neutral and polar, at codon 967 of the PCLO protein (p.Ala967Thr). This variant is not present in population databases (gnomAD no frequency). This variant has not been reported in the literature in individuals affected with PCLO-related conditions. ClinVar contains an entry for this variant (Variation ID: 1365826). Experimental studies and prediction algorithms are not available or were not evaluated, and the functional significance of this variant is currently unknown. In summary, the available evidence is currently insufficient to determine the role of this variant in disease. Therefore, it has been classified as a Variant of Uncertain Significance.